The following is an entry in ClinVar:

ClinVar aggregate classification (germline): Pathogenic (1 of 4 stars; one submission).

Conditions:
Combined immunodeficiency due to LRBA deficiency. Also called: Common variable immunodeficiency 8, with autoimmunity. Identifiers: Orphanet 445018, MedGen C3553512, MONDO:0013863, OMIM 614700.

Submission:

Labcorp Genetics (formerly Invitae), Labcorp
Classification: Pathogenic for Combined immunodeficiency due to LRBA deficiency. Last evaluated: 2023-01-12. Review status: criteria provided, single submitter. Criteria: Invitae Variant Classification Sherloc (09022015). Collection method: clinical testing. Allele origin: unknown.
Comment: For these reasons, this variant has been classified as Pathogenic. This variant has not been reported in the literature in individuals affected with LRBA-related conditions. This variant is a gross deletion of the genomic region encompassing exon(s) 18-26 of the LRBA gene. This deletion is out-of-frame, and is expected to create a premature termination codon and result in an absent or disrupted protein product. Loss-of-function variants in LRBA are known to be pathogenic (PMID: 26206937, 26768763).

Literature cited by the submitters: PubMed 26206937; PubMed 26768763.

NC_000004.11:g.(?_151769950)_(151793927_?)del

Gene: LRBA (LPS responsive beige-like anchor protein; minus strand). Cytogenetic location: 4q31.3.
Variant type: Deletion.
Identifiers: ClinVar variation 3246675 (VCV003246675.1).